The following is an entry in ClinVar:

ClinVar aggregate classification (germline): Uncertain significance (1 of 4 stars; one submission).

Conditions:
Hyperphosphatasia with intellectual disability syndrome 5 (GPIBD11). Also called: GLYCOSYLPHOSPHATIDYLINOSITOL BIOSYNTHESIS DEFECT 11. Identifiers: Orphanet 247262, MedGen C4014958, MONDO:0014457, OMIM 616025.

Allele frequency attached by ClinVar (database versions not stated): gnomAD exomes below 0.00001; gnomAD 0.00001; TOPMed 0.00002; ESP Exome Variant Server 0.00008.

Submission:

Labcorp Genetics (formerly Invitae), Labcorp
Classification: Uncertain significance for Hyperphosphatasia with intellectual disability syndrome 5. Last evaluated: 2024-10-23. Review status: criteria provided, single submitter. Criteria: Invitae Variant Classification Sherloc (09022015). Collection method: clinical testing. Allele origin: germline.
Comment: This sequence change replaces isoleucine, which is neutral and non-polar, with methionine, which is neutral and non-polar, at codon 220 of the PIGW protein (p.Ile220Met). This variant is not present in population databases (gnomAD no frequency). This variant has not been reported in the literature in individuals affected with PIGW-related conditions. ClinVar contains an entry for this variant (Variation ID: 2194941). Invitae Evidence Modeling of protein sequence and biophysical properties (such as structural, functional, and spatial information, amino acid conservation, physicochemical variation, residue mobility, and thermodynamic stability) indicates that this missense variant is not expected to disrupt PIGW protein function with a negative predictive value of 80%. In summary, the available evidence is currently insufficient to determine the role of this variant in disease. Therefore, it has been classified as a Variant of Uncertain Significance.

NM_001346754.2(PIGW):c.660A>G (p.Ile220Met)

Genes: MYO19 (myosin XIX; minus strand), PIGW (phosphatidylinositol glycan anchor biosynthesis class W; plus strand). Cytogenetic location: 17q12.
Variant type: single nucleotide variant.
Coding change: c.660A>G on transcript NM_001346754.2 (MANE Select); coding-DNA position 660, A replaced by G.
Protein change: p.Ile220Met; replaces isoleucine 220 with methionine.
Molecular consequence: missense variant.
Genome position (GRCh38, 1-based): chr17:36,537,761, A>G. VCF-style: chr17-36537761-A-G. GRCh37 (hg19) VCF-style: chr17-34893610-A-G.
Other names: c.660A>G, p.Ile220Met (NM_001346755.2, NM_178517.5); short protein forms I220M.
Identifiers: ClinVar variation 2194941 (VCV002194941.4), dbSNP rs142155766, ClinGen allele CA290116179.
Genomic context (GRCh38, chr17:36,537,761, plus strand): 5'-AAACTCATTGTACTCTGTTTGGCCATTAGTCTTCCTAGGAATCGGACGATTAGCCATTAT[A>G]AAATCAATAGGCTATCAGGAACATTTAACAGAGTATGGAGTTCACTGGAACTTTTTCTTT-3'
Protein context (NP_001333683.1, residues 210-230): VFLGIGRLAI[Ile220Met]KSIGYQEHLT